The following is an entry in ClinVar:

ClinVar aggregate classification (germline): Pathogenic. Review status: criteria provided, multiple submitters, no conflicts (2 of 4 stars). 2 submissions from 2 submitters: Pathogenic (2). Last evaluated 2026-04-14.

Conditions:
DICER1-related tumor predisposition. Also called: DICER1 syndrome; DICER1-related pleuropulmonary blastoma cancer predisposition syndrome. Identifiers: Orphanet 284343, MedGen C3839822, MONDO:0100216.

gnomAD v4.1: 1 of 1,614,196 alleles (0.000062%); no homozygotes.

Submissions (2):

Myriad Genetics, Inc.
Classification: Pathogenic for DICER1-related tumor predisposition. Last evaluated: 2026-04-14. Review status: criteria provided, single submitter. Criteria: Myriad Autosomal Dominant, Autosomal Recessive and X-Linked Classification Criteria (2023). Collection method: clinical testing. Allele origin: unknown.
Comment: This variant is considered pathogenic. This variant creates a termination codon and is predicted to result in premature protein truncation.

Labcorp Genetics (formerly Invitae), Labcorp
Classification: Pathogenic for DICER1-related tumor predisposition. Last evaluated: 2022-08-09. Review status: criteria provided, single submitter. Criteria: Invitae Variant Classification Sherloc (09022015). Collection method: clinical testing. Allele origin: germline.
Comment: This variant is present in population databases (no rsID available, gnomAD 0.004%). A different variant (c.4004dup) giving rise to the same protein effect has been determined to be pathogenic (Invitae). This suggests that this variant is also likely to be causative of disease. ClinVar contains an entry for this variant (Variation ID: 859818). For these reasons, this variant has been classified as Pathogenic. This sequence change creates a premature translational stop signal (p.Tyr1335*) in the DICER1 gene. It is expected to result in an absent or disrupted protein product. Loss-of-function variants in DICER1 are known to be pathogenic (PMID: 19556464, 21266384).

Literature cited by the submitters: PubMed 19556464 (cited by Labcorp Genetics (formerly Invitae), Labcorp); PubMed 21266384 (cited by Labcorp Genetics (formerly Invitae), Labcorp).

NM_177438.3(DICER1):c.4005C>G (p.Tyr1335Ter)

Gene: DICER1 (dicer 1, ribonuclease III; minus strand). Cytogenetic location: 14q32.13.
Variant type: single nucleotide variant.
Coding change: c.4005C>G on transcript NM_177438.3 (MANE Select); coding-DNA position 4005, C replaced by G.
Protein change: p.Tyr1335Ter; replaces tyrosine 1335 with a stop codon.
Molecular consequence: nonsense.
Genome position (GRCh38, 1-based): chr14:95,103,391, G>C on the plus strand (C>G on the coding strand, the complement: DICER1 is on the minus strand). VCF-style: chr14-95103391-G-C. GRCh37 (hg19) VCF-style: chr14-95569728-G-C.
Other names: c.4005C>G, p.Tyr1335Ter (NM_001195573.1, NM_001271282.3, NM_001291628.2 and 1 more transcripts); short protein forms Y1335*.
Identifiers: ClinVar variation 859818 (VCV000859818.10), dbSNP rs755357184, ClinGen allele CA390872975.